The following is an entry in ClinVar:

ClinVar aggregate classification (germline): Uncertain significance (1 of 4 stars; one submission).

Conditions:
Carey-Fineman-Ziter syndrome 1 (CFZS1). Also called: MYOPATHY, CONGENITAL NONPROGRESSIVE, WITH MOEBIUS SEQUENCE AND ROBIN SEQUENCE. Identifiers: MedGen C5676876, MONDO:0800437, OMIM 254940.

gnomAD v4.1: 82 of 1,613,864 alleles (0.0051%); highest among the groups gnomAD compares: Admixed American, 0.0083%; no homozygotes.

Submission:

Wales Gene Park, Division Of Cancer and Genetics, Cardiff University
Classification: Uncertain significance for Carey-Fineman-Ziter syndrome 1. Last evaluated: 2026-04-28. Review status: criteria provided, single submitter. Criteria: ACGS Best Practice Guidelines for Variant Classification in Rare Disease 2024. Collection method: research. Allele origin: inherited. Inheritance: Autosomal recessive inheritance. Study: 100,000 Genomes Project (Wales).
Comment: Inherited MYMK missense variant detected by genome sequencing. Allele frequency low in gnomAD (v4.1.1). Detected in trans to a pathogenic variant. REVEL score 0.288 but AlphaMissense 0.7163. Evidence codes: PM2, PM3.

NM_001080483.3(MYMK):c.268G>A (p.Glu90Lys)

Gene: MYMK (myomaker, myoblast fusion factor; minus strand). Cytogenetic location: 9q34.2.
Variant type: single nucleotide variant.
Coding change: c.268G>A on transcript NM_001080483.3 (MANE Select); coding-DNA position 268, G replaced by A.
Protein change: p.Glu90Lys; replaces glutamic acid 90 with lysine.
Molecular consequence: missense variant.
Genome position (GRCh38, 1-based): chr9:133,519,005, C>T on the plus strand (G>A on the coding strand, the complement: MYMK is on the minus strand). VCF-style: chr9-133519005-C-T. GRCh37 (hg19) VCF-style: chr9-136384127-C-T.
Other names: short protein forms E90K.
Identifiers: ClinVar variation 4880196 (VCV004880196.1).